The following is an entry in ClinVar:

ClinVar aggregate classification (germline): Uncertain significance. Review status: criteria provided, multiple submitters, no conflicts (2 of 4 stars). 2 submissions from 2 submitters: Uncertain significance (2). Last evaluated 2025-08-27.

Conditions:
Candidiasis, familial, 8 (CANDF8). Identifiers: Orphanet 1334, MedGen C3714992, MONDO:0014230, OMIM 615527.

Allele frequency attached by ClinVar (database versions not stated): gnomAD exomes below 0.00001.
gnomAD v4.1: 1 of 1,612,782 alleles (0.000062%); highest among the groups gnomAD compares: Non-Finnish European, 0.000085%; no homozygotes.

Submissions (2):

Ambry Genetics
Classification: Uncertain significance. Last evaluated: 2025-08-27. Review status: criteria provided, single submitter. Criteria: Ambry Variant Classification Scheme 2023. Collection method: clinical testing. Allele origin: germline.

Labcorp Genetics (formerly Invitae), Labcorp
Classification: Uncertain significance for Candidiasis, familial, 8. Last evaluated: 2020-04-06. Review status: criteria provided, single submitter. Criteria: Invitae Variant Classification Sherloc (09022015). Collection method: clinical testing. Allele origin: germline.
Comment: This sequence change replaces serine with tyrosine at codon 374 of the TRAF3IP2 protein (p.Ser374Tyr). The serine residue is moderately conserved and there is a large physicochemical difference between serine and tyrosine. This variant is not present in population databases (ExAC no frequency). This variant has not been reported in the literature in individuals with TRAF3IP2-related conditions. Algorithms developed to predict the effect of missense changes on protein structure and function are either unavailable or do not agree on the potential impact of this missense change (SIFT: "Deleterious"; PolyPhen-2: "Benign"; Align-GVGD: "Class C0"). In summary, the available evidence is currently insufficient to determine the role of this variant in disease. Therefore, it has been classified as a Variant of Uncertain Significance.

NM_147686.4(TRAF3IP2):c.1121C>A (p.Ser374Tyr)

Genes: TRAF3IP2 (TRAF3 interacting protein 2; minus strand), TRAF3IP2-AS1 (TRAF3IP2 antisense RNA 1; plus strand). Cytogenetic location: 6q21.
Variant type: single nucleotide variant.
Coding change: c.1121C>A on transcript NM_147686.4 (MANE Select); coding-DNA position 1121, C replaced by A.
Protein change: p.Ser374Tyr; replaces serine 374 with tyrosine.
Molecular consequence: missense variant.
Genome position (GRCh38, 1-based): chr6:111,575,723, G>T on the plus strand (C>A on the coding strand, the complement: TRAF3IP2 is on the minus strand). VCF-style: chr6-111575723-G-T. GRCh37 (hg19) VCF-style: chr6-111896926-G-T.
Other names: c.1121C>A, p.Ser374Tyr (NM_001164281.3); c.1148C>A, p.Ser383Tyr (NM_147200.3); c.1121C>A (NM_147686.2); short protein forms S374Y, S383Y.
Identifiers: ClinVar variation 1020870 (VCV001020870.9), dbSNP rs1795962978, ClinGen allele CA365362595.